The following is an entry in ClinVar:

ClinVar aggregate classification (germline): Uncertain significance (1 of 4 stars; one submission).

Conditions:
Hereditary cancer-predisposing syndrome. Also called: Neoplastic Syndromes, Hereditary; Tumor predisposition; Hereditary Cancer Syndrome; Hereditary neoplastic syndrome. Identifiers: Orphanet 140162, MedGen C0027672, MeSH D009386, MONDO:0015356.

gnomAD v4.1: 1 of 1,613,400 alleles (0.000062%); highest among the groups gnomAD compares: Middle Eastern, 0.017%; no homozygotes.

Submission:

Ambry Genetics
Classification: Uncertain significance for Hereditary cancer-predisposing syndrome. Last evaluated: 2025-09-25. Review status: criteria provided, single submitter. Criteria: Ambry Variant Classification Scheme 2023. Collection method: clinical testing. Allele origin: germline.
Comment: The p.M847T variant (also known as c.2540T>C), located in coding exon 9 of the BRCA1 gene, results from a T to C substitution at nucleotide position 2540. The methionine at codon 847 is replaced by threonine, an amino acid with similar properties. This amino acid position is not well conserved in available vertebrate species. In addition, the in silico prediction for this alteration is inconclusive. Based on the available evidence, the clinical significance of this variant remains unclear.

NM_007294.4(BRCA1):c.2540T>C (p.Met847Thr)

Gene: BRCA1 (BRCA1 DNA repair associated; minus strand). Cytogenetic location: 17q21.31.
Variant type: single nucleotide variant.
Coding change: c.2540T>C on transcript NM_007294.4 (MANE Select); coding-DNA position 2540, T replaced by C.
Protein change: p.Met847Thr; replaces methionine 847 with threonine.
Molecular consequence: missense variant. On other transcripts: intron variant (137).
Genome position (GRCh38, 1-based): chr17:43,092,991, A>G on the plus strand (T>C on the coding strand, the complement: BRCA1 is on the minus strand). VCF-style: chr17-43092991-A-G. GRCh37 (hg19) VCF-style: chr17-41245008-A-G.
Other names: c.2540T>C, p.Met847Thr (NM_001407581.1, NM_001407582.1, NM_001407583.1 and 30 more transcripts); c.664+1753T>C (NM_001408438.1, NM_001408430.1, NM_001408436.1 and 12 more transcripts); c.671-1959T>C (NM_001408423.1, NM_001408420.1, NM_001408419.1 and 2 more transcripts); c.787+1753T>C (NM_001408404.1, NM_001408472.1, NM_001407990.1 and 17 more transcripts); c.2537T>C, p.Met846Thr (NM_001407587.1, NM_001407590.1, NM_001407591.1 and 22 more transcripts); c.788-852T>C (NM_001407969.1, NM_001407968.1); c.577+1753T>C (NM_001408492.1, NM_001408513.1, NM_001408481.1 and 9 more transcripts); c.643+1753T>C (NM_001408468.1, NM_001408470.1, NM_001408464.1 and 3 more transcripts); and 41 more; short protein forms M805T, M551T, M735T, M736T, M758T, M759T, M806T, M820T.
Identifiers: ClinVar variation 4624734 (VCV004624734.1).